The following is an entry in ClinVar:

ClinVar aggregate classification (germline): Conflicting classifications of pathogenicity. Review status: criteria provided, conflicting classifications (1 of 4 stars). 4 submissions from 4 submitters: Uncertain significance (2); Likely benign (2). Last evaluated 2025-04-10.

Conditions:
CENPF-related disorder. Also called: CENPF-related condition.

Allele frequency attached by ClinVar (database versions not stated): ExAC 0.00050; TOPMed 0.00050; gnomAD 0.00076 and 0.00079; ESP Exome Variant Server 0.00100.
gnomAD v4.1: 1,218 of 1,599,368 alleles (0.076%); highest among the groups gnomAD compares: Non-Finnish European, 0.1%; 1 homozygote.

Submissions (4):

GeneDx
Classification: Uncertain significance. Last evaluated: 2025-04-10. Review status: criteria provided, single submitter. Criteria: GeneDx Variant Classification Process June 2021. Collection method: clinical testing. Allele origin: germline. Affected: yes.
Comment: In silico analysis indicates that this missense variant does not alter protein structure/function; Has not been previously published as pathogenic or benign to our knowledge

PreventionGenetics, part of Exact Sciences
Classification: Likely benign for CENPF-related condition. Last evaluated: 2024-11-12. Review status: criteria provided, single submitter. Criteria: ACMG Guidelines, 2015. Collection method: clinical testing. Allele origin: germline.
Comment: This variant is classified as likely benign based on ACMG/AMP sequence variant interpretation guidelines (Richards et al. 2015 PMID: 25741868, with internal and published modifications).

Labcorp Genetics (formerly Invitae), Labcorp
Classification: Uncertain significance. Last evaluated: 2024-11-11. Review status: criteria provided, single submitter. Criteria: Invitae Variant Classification Sherloc (09022015). Collection method: clinical testing. Allele origin: germline.
Comment: This sequence change replaces tyrosine, which is neutral and polar, with cysteine, which is neutral and slightly polar, at codon 357 of the CENPF protein (p.Tyr357Cys). This variant is present in population databases (rs138247858, gnomAD 0.1%), and has an allele count higher than expected for a pathogenic variant. This variant has not been reported in the literature in individuals affected with CENPF-related conditions. ClinVar contains an entry for this variant (Variation ID: 1524917). An algorithm developed to predict the effect of missense changes on protein structure and function outputs the following: PolyPhen-2: "Benign". The cysteine amino acid residue is found in multiple mammalian species, which suggests that this missense change does not adversely affect protein function. In summary, the available evidence is currently insufficient to determine the role of this variant in disease. Therefore, it has been classified as a Variant of Uncertain Significance.

Blueprint Genetics
Classification: Likely benign. Last evaluated: 2024-10-16. Review status: criteria provided, single submitter. Criteria: ACMG Guidelines, 2015. Collection method: clinical testing. Allele origin: germline.

NM_016343.4(CENPF):c.1070A>G (p.Tyr357Cys)

Gene: CENPF (centromere protein F; plus strand). Cytogenetic location: 1q41.
Variant type: single nucleotide variant.
Coding change: c.1070A>G on transcript NM_016343.4 (MANE Select); coding-DNA position 1070, A replaced by G.
Protein change: p.Tyr357Cys; replaces tyrosine 357 with cysteine.
Molecular consequence: missense variant.
Genome position (GRCh38, 1-based): chr1:214,629,047, A>G. VCF-style: chr1-214629047-A-G. GRCh37 (hg19) VCF-style: chr1-214802390-A-G.
Other names: c.1070A>G (NM_016343.3); short protein forms Y357C.
Identifiers: ClinVar variation 1524917 (VCV001524917.9), dbSNP rs138247858, ClinGen allele CA1389934.